The following is an entry in ClinVar:

NM_001276270.2(MBD4):c.251A>C (p.Lys84Thr)

Gene: MBD4 (methyl-CpG binding domain 4, DNA glycosylase; minus strand). Cytogenetic location: 3q21.3.
Variant type: single nucleotide variant.
Coding change: c.251A>C on transcript NM_001276270.2 (MANE Select); coding-DNA position 251, A replaced by C.
Protein change: p.Lys84Thr; replaces lysine 84 with threonine.
Molecular consequence: missense variant. On other transcripts: intron variant (1).
Genome position (GRCh38, 1-based): chr3:129,437,804, T>G on the plus strand (A>C on the coding strand, the complement: MBD4 is on the minus strand). VCF-style: chr3-129437804-T-G. GRCh37 (hg19) VCF-style: chr3-129156647-T-G.
Other names: c.251A>C, p.Lys84Thr (NM_001276271.2, NM_001276272.2, NM_003925.3); c.247+4A>C (NM_001276273.2); short protein forms K84T.
Identifiers: ClinVar variation 2804105 (VCV002804105.3), dbSNP rs750606861, ClinGen allele CA2605571.

ClinVar aggregate classification (germline): Uncertain significance (1 of 4 stars; one submission).

Allele frequency attached by ClinVar (database versions not stated): ExAC 0.00001.

Submission:

Labcorp Genetics (formerly Invitae), Labcorp
Classification: Uncertain significance. Last evaluated: 2023-11-30. Review status: criteria provided, single submitter. Criteria: Invitae Variant Classification Sherloc (09022015). Collection method: clinical testing. Allele origin: germline.
Comment: This sequence change replaces lysine, which is basic and polar, with threonine, which is neutral and polar, at codon 84 of the MBD4 protein (p.Lys84Thr). This variant is present in population databases (rs750606861, gnomAD 0.0009%). This variant has not been reported in the literature in individuals affected with MBD4-related conditions. An algorithm developed to predict the effect of missense changes on protein structure and function (PolyPhen-2) suggests that this variant is likely to be tolerated. In summary, the available evidence is currently insufficient to determine the role of this variant in disease. Therefore, it has been classified as a Variant of Uncertain Significance.